The following is an entry in ClinVar:

ClinVar aggregate classification (germline): Pathogenic (1 of 4 stars; one submission).

Submission:

Labcorp Genetics (formerly Invitae), Labcorp
Classification: Pathogenic. Last evaluated: 2022-06-28. Review status: criteria provided, single submitter. Criteria: Invitae Variant Classification Sherloc (09022015). Collection method: clinical testing. Allele origin: germline.
Comment: This sequence change creates a premature translational stop signal (p.Thr295Aspfs*111) in the TRMU gene. While this is not anticipated to result in nonsense mediated decay, it is expected to disrupt the last 127 amino acid(s) of the TRMU protein. This variant is not present in population databases (gnomAD no frequency). This variant has not been reported in the literature in individuals affected with TRMU-related conditions. This variant disrupts a region of the TRMU protein in which other variant(s) (p.Gln358_Val360dup) have been determined to be pathogenic (PMID: 21169334, 30369941). This suggests that this is a clinically significant region of the protein, and that variants that disrupt it are likely to be disease-causing. For these reasons, this variant has been classified as Pathogenic.

Literature cited by the submitters: PubMed 21169334; PubMed 30369941.

NM_018006.5(TRMU):c.882dup (p.Thr295fs)

Gene: TRMU (tRNA mitochondrial 2-thiouridylase; plus strand). Cytogenetic location: 22q13.31.
Variant type: Duplication.
Coding change: c.882dup on transcript NM_018006.5 (MANE Select); coding-DNA position 882, one base duplicated (G; older notation c.882dupG).
Protein change: p.Thr295fs; shifts the reading frame from threonine 295.
Molecular consequence: frameshift variant. On other transcripts: non-coding transcript variant (2).
Genome position (GRCh38, 1-based): chr22:46,355,452, G duplicated; the last of 2 consecutive G bases (chr22:46,355,451-46,355,452); duplicating either gives the same sequence. VCF-style (leftmost placement, unchanged base first): chr22-46355450-C-CG. GRCh37 (hg19) VCF-style: chr22-46751347-C-CG.
Other names: c.*326dup (NM_001008568.2); c.*420dup (NM_001008570.2); c.540dup, p.Thr181fs (NM_001282782.2); c.462dup, p.Thr155fs (NM_001282783.2, NM_001282784.2); c.882dup, p.Thr295fs (NM_001282785.2); short protein forms T295fs, T181fs, T155fs.
Identifiers: ClinVar variation 2123687 (VCV002123687.4), dbSNP rs1225948299, ClinGen allele CA753658866.